The following is an entry in ClinVar:

NM_001267550.2(TTN):c.41310G>A (p.Thr13770=)

Gene: TTN (titin; minus strand). Cytogenetic location: 2q31.2.
Variant type: single nucleotide variant.
Coding change: c.41310G>A on transcript NM_001267550.2 (MANE Select); coding-DNA position 41310, G replaced by A.
Protein change: p.Thr13770=; no amino-acid change (threonine 13770 retained).
Molecular consequence: synonymous variant.
Genome position (GRCh38, 1-based): chr2:178,636,417, C>T on the plus strand (G>A on the coding strand, the complement: TTN is on the minus strand). VCF-style: chr2-178636417-C-T. GRCh37 (hg19) VCF-style: chr2-179501144-C-T.
Other names: c.36387G>A, p.Thr12129= (NM_001256850.1); c.14115G>A, p.Thr4705= (NM_003319.4); c.33606G>A, p.Thr11202= (NM_133378.4); c.14490G>A, p.Thr4830= (NM_133432.3); c.14691G>A, p.Thr4897= (NM_133437.4).
Identifiers: ClinVar variation 389586 (VCV000389586.13), dbSNP rs556498170, ClinGen allele CA1996290.

ClinVar aggregate classification (germline): Likely benign. Review status: criteria provided, multiple submitters, no conflicts (2 of 4 stars). 5 submissions from 5 submitters: Likely benign (4). 1 of the submissions does not count toward it. Last evaluated 2026-01-05.

Conditions:
TTN-related disorder. Also called: TTN-related condition; TTN-related disease; TTN-related disorders.
Autosomal recessive limb-girdle muscular dystrophy type 2J (LGMDR10). Also called: Limb-girdle muscular dystrophy, type 2J; MUSCULAR DYSTROPHY, LIMB-GIRDLE, AUTOSOMAL RECESSIVE 10. Identifiers: Orphanet 140922, MedGen C1837342, MONDO:0012127, OMIM 608807.
Dilated cardiomyopathy 1G (CMD1G). Identifiers: Orphanet 154, MedGen C1858763, MONDO:0011400, OMIM 604145.
Cardiovascular phenotype. Identifiers: MedGen CN230736.

Allele frequency attached by ClinVar (database versions not stated): gnomAD 0.00003 and 0.00004; TOPMed 0.00004; gnomAD exomes 0.00008; ExAC 0.00011; 1000 Genomes Project 0.00020; 1000 Genomes Project 30x 0.00031.
gnomAD v4.1: 47 of 1,607,954 alleles (0.0029%); highest among the groups gnomAD compares: Admixed American, 0.027%; 1 homozygote.

Submissions (5):

Labcorp Genetics (formerly Invitae), Labcorp
Classification: Likely benign for Dilated cardiomyopathy 1G; Autosomal recessive limb-girdle muscular dystrophy type 2J. Last evaluated: 2026-01-05. Review status: criteria provided, single submitter. Criteria: Invitae Variant Classification Sherloc (09022015). Collection method: clinical testing. Allele origin: germline.

Blueprint Genetics
Classification: Likely benign. Last evaluated: 2023-12-11. Review status: criteria provided, single submitter. Criteria: ACMG Guidelines, 2015. Collection method: clinical testing. Allele origin: germline.

Ambry Genetics
Classification: Likely benign for Cardiovascular phenotype. Last evaluated: 2023-03-16. Review status: criteria provided, single submitter. Criteria: Ambry Variant Classification Scheme 2023. Collection method: clinical testing. Allele origin: germline.

GeneDx
Classification: Likely benign. Last evaluated: 2016-09-29. Review status: criteria provided, single submitter. Criteria: GeneDx Variant Classification (06012015). Collection method: clinical testing. Allele origin: germline. Affected: yes.
Comment: This variant is considered likely benign or benign based on one or more of the following criteria: it is a conservative change, it occurs at a poorly conserved position in the protein, it is predicted to be benign by multiple in silico algorithms, and/or has population frequency not consistent with disease.

PreventionGenetics, part of Exact Sciences
Classification: Likely benign for TTN-related condition. Last evaluated: 2022-05-16. Review status: no assertion criteria provided. Collection method: clinical testing. Allele origin: germline. Not counted in ClinVar's aggregate classification.
Comment: This variant is classified as likely benign based on ACMG/AMP sequence variant interpretation guidelines (Richards et al. 2015 PMID: 25741868, with internal and published modifications).